The following is an entry in ClinVar:

NM_144670.6(A2ML1):c.4079G>T (p.Ser1360Ile)

Gene: A2ML1 (alpha-2-macroglobulin like 1; plus strand). Cytogenetic location: 12p13.31.
Variant type: single nucleotide variant.
Coding change: c.4079G>T on transcript NM_144670.6 (MANE Select); coding-DNA position 4079, G replaced by T.
Protein change: p.Ser1360Ile; replaces serine 1360 with isoleucine.
Molecular consequence: missense variant.
Genome position (GRCh38, 1-based): chr12:8,868,554, G>T. VCF-style: chr12-8868554-G-T. GRCh37 (hg19) VCF-style: chr12-9021150-G-T.
Other names: c.2606G>T, p.Ser869Ile (NM_001282424.3); short protein forms S869I, S1360I.
Identifiers: ClinVar variation 3529169 (VCV003529169.1).

ClinVar aggregate classification (germline): Uncertain significance (1 of 4 stars; one submission).

gnomAD v4.1: 6 of 1,613,872 alleles (0.00037%); highest among the groups gnomAD compares: Non-Finnish European, 0.00051%; no homozygotes.

Submission:

Ambry Genetics
Classification: Uncertain significance. Last evaluated: 2024-09-24. Review status: criteria provided, single submitter. Criteria: Ambry Variant Classification Scheme 2023. Collection method: clinical testing. Allele origin: germline.
Comment: The p.S1360I variant (also known as c.4079G>T), located in coding exon 32 of the A2ML1 gene, results from a G to T substitution at nucleotide position 4079. The serine at codon 1360 is replaced by isoleucine, an amino acid with dissimilar properties. This amino acid position is conserved. In addition, this alteration is predicted to be tolerated by in silico analysis. Based on the available evidence, the clinical significance of this variant remains unclear.